The following is an entry in ClinVar:

ClinVar aggregate classification (germline): Uncertain significance (1 of 4 stars; one submission).

gnomAD v4.1: 24 of 1,598,502 alleles (0.0015%); highest among the groups gnomAD compares: South Asian, 0.025%; no homozygotes.

Submission:

CeGaT Center for Human Genetics Tuebingen
Classification: Uncertain significance. Last evaluated: 2023-07-01. Review status: criteria provided, single submitter. Criteria: CeGaT Center For Human Genetics Tuebingen Variant Classification Criteria Version 2. Collection method: clinical testing. Allele origin: germline. Affected: yes. Observed: 1 variant allele.
Comment: DNAH9: PM2, BP4

NM_001372.4(DNAH9):c.1342G>C (p.Val448Leu)

Gene: DNAH9 (dynein axonemal heavy chain 9; plus strand). Cytogenetic location: 17p12.
Variant type: single nucleotide variant.
Coding change: c.1342G>C on transcript NM_001372.4 (MANE Select); coding-DNA position 1342, G replaced by C.
Protein change: p.Val448Leu; replaces valine 448 with leucine.
Molecular consequence: missense variant.
Genome position (GRCh38, 1-based): chr17:11,619,773, G>C. VCF-style: chr17-11619773-G-C. GRCh37 (hg19) VCF-style: chr17-11523090-G-C.
Other names: short protein forms V448L.
Identifiers: ClinVar variation 2647485 (VCV002647485.24), dbSNP rs373879903, ClinGen allele CA8394803.
Genomic context (GRCh38, chr17:11,619,773, plus strand): 5'-TGGGATTTCCAGTCTTCTTTGGTCTTTGTGCGATTGGATGGCTTCCTGGGACAACTGCAC[G>C]TGGTGGAGGTGAGTGCGCACCTCACCTCAGGCTGCCAGCCCCAGACAGAAAGAAGCAGTC-3'
Protein context (NP_001363.2, residues 438-458): RLDGFLGQLH[Val448Leu]VEGLLKTALD